The following is an entry in ClinVar:

ClinVar aggregate classification (germline): Pathogenic. Review status: criteria provided, multiple submitters, no conflicts (2 of 4 stars). 2 submissions from 2 submitters: Pathogenic (2). Last evaluated 2023-08-17.

Conditions:
Mitochondrial complex II deficiency, nuclear type 1. Also called: SUCCINATE CoQ REDUCTASE DEFICIENCY. Identifiers: Orphanet 3208, MedGen C5700310, MONDO:0100294, OMIM 252011.
Pheochromocytoma/paraganglioma syndrome 5. Also called: SDHA-Related Hereditary Paraganglioma-Pheochromocytoma Syndrome; Paragangliomas 5. Identifiers: Orphanet 29072, MedGen C3279992, MONDO:0013602, OMIM 614165.

Submissions (2):

Labcorp Genetics (formerly Invitae), Labcorp
Classification: Pathogenic for Pheochromocytoma/paraganglioma syndrome 5; Mitochondrial complex II deficiency, nuclear type 1. Last evaluated: 2023-08-17. Review status: criteria provided, single submitter. Criteria: Invitae Variant Classification Sherloc (09022015). Collection method: clinical testing. Allele origin: germline.
Comment: This sequence change affects the initiator methionine of the SDHA mRNA. The next in-frame methionine is located at codon 114. For these reasons, this variant has been classified as Pathogenic. ClinVar contains an entry for this variant (Variation ID: 426781). Disruption of the initiator codon has been observed in individuals with paraganglioma or gastrointestinal stromal tumor (PMID: 26722403, 28384794; Invitae). This variant is not present in population databases (gnomAD no frequency).

GeneDx
Classification: Pathogenic. Last evaluated: 2022-01-12. Review status: criteria provided, single submitter. Criteria: GeneDx Variant Classification Process June 2021. Collection method: clinical testing. Allele origin: germline. Affected: yes.
Comment: Initiation codon variant in a gene for which loss-of-function is a known mechanism of disease; Not observed at significant frequency in large population cohorts (gnomAD); Has not been previously published as pathogenic or benign to our knowledge; This variant is associated with the following publications: (PMID: 26722403)

Literature cited by the submitters: PubMed 26722403 (cited by Labcorp Genetics (formerly Invitae), Labcorp); PubMed 28384794 (cited by Labcorp Genetics (formerly Invitae), Labcorp).

NM_004168.4(SDHA):c.1del (p.Met1fs)

Gene: SDHA (succinate dehydrogenase complex flavoprotein subunit A; plus strand). Cytogenetic location: 5p15.33.
Variant type: Deletion.
Coding change: c.1del on transcript NM_004168.4 (MANE Select); coding-DNA position 1, one base deleted (A; older notation c.1delA).
Protein change: p.Met1fs; shifts the reading frame from methionine 1.
Molecular consequence: frameshift variant, initiator codon variant.
Genome position (GRCh38, 1-based): chr5:218,356, A deleted. VCF-style (leftmost placement, unchanged base first): chr5-218355-CA-C. GRCh37 (hg19) VCF-style: chr5-218470-CA-C.
Other names: c.1delA (NM_004168.2); c.1del, p.Met1fs (NM_001294332.2, NM_001330758.2); short protein forms M1fs.
Identifiers: ClinVar variation 426781 (VCV000426781.14), dbSNP rs1085307796, ClinGen allele CA645293865.